The following is an entry in ClinVar:

ClinVar aggregate classification (germline): Uncertain significance (1 of 4 stars; one submission).

Conditions:
Myopathy, centronuclear, 2 (CNM2). Also called: MYOTUBULAR MYOPATHY, AUTOSOMAL RECESSIVE. Identifiers: Orphanet 169186, MedGen CN031787, MONDO:0009709, OMIM 255200.

gnomAD v4.1: 1 of 1,556,772 alleles (0.000064%); highest among the groups gnomAD compares: African/African-American, 0.0014%; no homozygotes.

Submission:

Labcorp Genetics (formerly Invitae), Labcorp
Classification: Uncertain significance for Myopathy, centronuclear, 2. Last evaluated: 2025-09-12. Review status: criteria provided, single submitter. Criteria: Invitae Variant Classification Sherloc (09022015). Collection method: clinical testing. Allele origin: germline.
Comment: This sequence change replaces glutamine, which is neutral and polar, with arginine, which is basic and polar, at codon 334 of the BIN1 protein (p.Gln334Arg). This variant is not present in population databases (gnomAD no frequency). This variant has not been reported in the literature in individuals affected with BIN1-related conditions. An algorithm developed to predict the effect of missense changes on protein structure and function (PolyPhen-2) suggests that this variant is likely to be tolerated. In summary, the available evidence is currently insufficient to determine the role of this variant in disease. Therefore, it has been classified as a Variant of Uncertain Significance.

NM_139343.3(BIN1):c.1001A>G (p.Gln334Arg)

Gene: BIN1 (bridging integrator 1; minus strand). Cytogenetic location: 2q14.3.
Variant type: single nucleotide variant.
Coding change: c.1001A>G on transcript NM_139343.3 (MANE Select); coding-DNA position 1001, A replaced by G.
Protein change: p.Gln334Arg; replaces glutamine 334 with arginine.
Molecular consequence: missense variant.
Genome position (GRCh38, 1-based): chr2:127,059,012, T>C on the plus strand (A>G on the coding strand, the complement: BIN1 is on the minus strand). VCF-style: chr2-127059012-T-C. GRCh37 (hg19) VCF-style: chr2-127816588-T-C.
Other names: c.953A>G, p.Gln318Arg (NM_001320632.2, NM_004305.4, NM_139346.3); c.1001A>G, p.Gln334Arg (NM_001320633.2, NM_001320640.2, NM_139344.3 and 1 more transcripts); c.836A>G, p.Gln279Arg (NM_001320634.1); c.908A>G, p.Gln303Arg (NM_001320641.2, NM_139347.3, NM_139348.3 and 3 more transcripts); c.920A>G, p.Gln307Arg (NM_001320642.1); short protein forms Q279R, Q334R, Q303R, Q307R, Q318R.
Identifiers: ClinVar variation 4764348 (VCV004764348.1).